The following is an entry in ClinVar:

NM_012414.4(RAB3GAP2):c.1306G>A (p.Val436Ile)

Gene: RAB3GAP2 (RAB3 GTPase activating non-catalytic protein subunit 2; minus strand). Cytogenetic location: 1q41.
Variant type: single nucleotide variant.
Coding change: c.1306G>A on transcript NM_012414.4 (MANE Select); coding-DNA position 1306, G replaced by A.
Protein change: p.Val436Ile; replaces valine 436 with isoleucine.
Molecular consequence: missense variant.
Genome position (GRCh38, 1-based): chr1:220,191,249, C>T on the plus strand (G>A on the coding strand, the complement: RAB3GAP2 is on the minus strand). VCF-style: chr1-220191249-C-T. GRCh37 (hg19) VCF-style: chr1-220364591-C-T.
Other names: short protein forms V436I.
Identifiers: ClinVar variation 2054222 (VCV002054222.4), dbSNP rs1253314347, ClinGen allele CA344645698.
Genomic context (GRCh38, chr1:220,191,249, plus strand): 5'-GAGAATTTCCAAAGGGGGAAAAATCTGCCTTTTCTGGCACTCTTTCATGGAGGTCCTCTA[C>T]AGTTTGAATCCATCCAATTTGTGCGTCGCGGTACCCTTAGAGACAGAGGTAAAGGGAAGT-3'
Protein context (NP_036546.2, residues 426-446): RDAQIGWIQT[Val436Ile]EDLHERVPEK

ClinVar aggregate classification (germline): Uncertain significance. Review status: criteria provided, multiple submitters, no conflicts (2 of 4 stars). 2 submissions from 2 submitters: Uncertain significance (2). Last evaluated 2022-07-19.

Conditions:
Martsolf syndrome (MARTS). Also called: Congenital cataract with intellectual disability and hypogonadotropic hypogonadism syndrome. Identifiers: Orphanet 1387, MedGen C0796037, MONDO:0023910.
Warburg micro syndrome 2 (WARBM2). Also called: MICRO SYNDROME 2. Identifiers: Orphanet 2510, MedGen C3280214, MONDO:0013641, OMIM 614225.

Allele frequency attached by ClinVar (database versions not stated): gnomAD exomes below 0.00001; gnomAD 0.00001; TOPMed 0.00001.
gnomAD v4.1: 7 of 1,610,048 alleles (0.00043%); highest among the groups gnomAD compares: African/African-American, 0.0013%; no homozygotes.

Submissions (2):

GeneDx
Classification: Uncertain significance. Last evaluated: 2022-07-19. Review status: criteria provided, single submitter. Criteria: GeneDx Variant Classification Process June 2021. Collection method: clinical testing. Allele origin: germline. Affected: yes.
Comment: Not observed at significant frequency in large population cohorts (gnomAD); In silico analysis supports that this missense variant does not alter protein structure/function; Has not been previously published as pathogenic or benign to our knowledge

Labcorp Genetics (formerly Invitae), Labcorp
Classification: Uncertain significance for Martsolf syndrome; Warburg micro syndrome 2. Last evaluated: 2022-07-11. Review status: criteria provided, single submitter. Criteria: Invitae Variant Classification Sherloc (09022015). Collection method: clinical testing. Allele origin: germline.
Comment: In summary, the available evidence is currently insufficient to determine the role of this variant in disease. Therefore, it has been classified as a Variant of Uncertain Significance. Algorithms developed to predict the effect of missense changes on protein structure and function output the following: SIFT: "Tolerated"; PolyPhen-2: "Benign"; Align-GVGD: "Class C0". The isoleucine amino acid residue is found in multiple mammalian species, which suggests that this missense change does not adversely affect protein function. This variant has not been reported in the literature in individuals affected with RAB3GAP2-related conditions. This variant is present in population databases (no rsID available, gnomAD 0.0009%). This sequence change replaces valine, which is neutral and non-polar, with isoleucine, which is neutral and non-polar, at codon 436 of the RAB3GAP2 protein (p.Val436Ile).